The following is an entry in ClinVar:

ClinVar aggregate classification (germline): Uncertain significance. Review status: criteria provided, multiple submitters, no conflicts (2 of 4 stars). 3 submissions from 3 submitters: Uncertain significance (3). Last evaluated 2025-04-16.

Conditions:
Inborn genetic diseases. Identifiers: MedGen C0950123, MeSH D030342.
Bardet-Biedl syndrome 7 (BBS7). Identifiers: Orphanet 110, MedGen C1859565, MONDO:0014435, OMIM 615984.
Bardet-Biedl syndrome (BBS). Identifiers: Orphanet 110, MedGen C0752166, MONDO:0015229.

Allele frequency attached by ClinVar (database versions not stated): gnomAD 0.00001; gnomAD exomes 0.00002 and 0.00003; TOPMed 0.00002; ExAC 0.00004.
gnomAD v4.1: 12 of 1,612,034 alleles (0.00074%); highest among the groups gnomAD compares: East Asian, 0.02%; no homozygotes.

Submissions (3):

Labcorp Genetics (formerly Invitae), Labcorp
Classification: Uncertain significance for Bardet-Biedl syndrome. Last evaluated: 2025-04-16. Review status: criteria provided, single submitter. Criteria: Invitae Variant Classification Sherloc (09022015). Collection method: clinical testing. Allele origin: germline.
Comment: This sequence change replaces serine, which is neutral and polar, with asparagine, which is neutral and polar, at codon 110 of the BBS7 protein (p.Ser110Asn). This variant is present in population databases (rs775395171, gnomAD 0.04%). This variant has not been reported in the literature in individuals affected with BBS7-related conditions. ClinVar contains an entry for this variant (Variation ID: 1046845). Invitae Evidence Modeling of protein sequence and biophysical properties (such as structural, functional, and spatial information, amino acid conservation, physicochemical variation, residue mobility, and thermodynamic stability) indicates that this missense variant is not expected to disrupt BBS7 protein function with a negative predictive value of 80%. In summary, the available evidence is currently insufficient to determine the role of this variant in disease. Therefore, it has been classified as a Variant of Uncertain Significance.

Ambry Genetics
Classification: Uncertain significance for Inborn genetic diseases. Last evaluated: 2023-10-25. Review status: criteria provided, single submitter. Criteria: Ambry Variant Classification Scheme 2023. Collection method: clinical testing. Allele origin: germline.

Fulgent Genetics
Classification: Uncertain significance for Bardet-Biedl syndrome 7. Last evaluated: 2021-11-01. Review status: criteria provided, single submitter. Criteria: ACMG Guidelines, 2015. Collection method: clinical testing. Allele origin: unknown.

NM_176824.3(BBS7):c.329G>A (p.Ser110Asn)

Gene: BBS7 (Bardet-Biedl syndrome 7; minus strand). Cytogenetic location: 4q27.
Variant type: single nucleotide variant.
Coding change: c.329G>A on transcript NM_176824.3 (MANE Select); coding-DNA position 329, G replaced by A.
Protein change: p.Ser110Asn; replaces serine 110 with asparagine.
Molecular consequence: missense variant.
Genome position (GRCh38, 1-based): chr4:121,861,516, C>T on the plus strand (G>A on the coding strand, the complement: BBS7 is on the minus strand). VCF-style: chr4-121861516-C-T. GRCh37 (hg19) VCF-style: chr4-122782671-C-T.
Other names: c.329G>A (NM_176824.2); c.329G>A, p.Ser110Asn (NM_018190.4); short protein forms S110N.
Identifiers: ClinVar variation 1046845 (VCV001046845.5), dbSNP rs775395171, ClinGen allele CA3064543.